The following is an entry in ClinVar:

NC_000021.9:g.(?_32601843)_(32634904_?)dup

Genes: CFAP298 (cilia and flagella associated protein 298; minus strand), SYNJ1 (synaptojanin 1; minus strand). Cytogenetic location: 21q22.11.
Variant type: Duplication.
Identifiers: ClinVar variation 833199 (VCV000833199.6).

ClinVar aggregate classification (germline): Uncertain significance (1 of 4 stars; one submission).

Conditions:
Developmental and epileptic encephalopathy, 53. Also called: Epileptic encephalopathy, early infantile, 53. Identifiers: MedGen C4479313, MONDO:0033362, OMIM 617389.
Early-onset Parkinson disease 20. Also called: PARKINSON DISEASE 20, AUTOSOMAL RECESSIVE EARLY-ONSET. Identifiers: Orphanet 391411, MedGen C3809824, MONDO:0014233, OMIM 615530.

Submission:

Labcorp Genetics (formerly Invitae), Labcorp
Classification: Uncertain significance for Developmental and epileptic encephalopathy, 53; Early-onset Parkinson disease 20. Last evaluated: 2020-06-07. Review status: criteria provided, single submitter. Criteria: Invitae Variant Classification Sherloc (09022015). Collection method: clinical testing. Allele origin: germline.
Comment: This variant results in a copy number gain of the genomic region encompassing exon 32 of the SYNJ1 gene. The 5' boundary is likely confined to intron 32. The 3' end of this event is unknown as it extends beyond the assayed region for this gene and therefore may encompass additional genes. As the precise location of this event is unknown, it may be in tandem or it may be located elsewhere in the genome. This variant has not been reported in the literature in individuals with SYNJ1-related conditions. Experimental studies and prediction algorithms are not available or were not evaluated, and the functional significance of this variant is currently unknown. In summary, the available evidence is currently insufficient to determine the role of this variant in disease. Therefore, it has been classified as a Variant of Uncertain Significance.